The following is an entry in ClinVar:

NM_001492.6(GDF1):c.883T>A (p.Tyr295Asn)

Genes: GDF1 (growth differentiation factor 1; minus strand), CERS1 (ceramide synthase 1; minus strand). Cytogenetic location: 19p13.11.
Variant type: single nucleotide variant.
Coding change: c.883T>A on transcript NM_001492.6 (MANE Select); coding-DNA position 883, T replaced by A.
Protein change: p.Tyr295Asn; replaces tyrosine 295 with asparagine.
Molecular consequence: missense variant. On other transcripts: 3 prime UTR variant (2).
Genome position (GRCh38, 1-based): chr19:18,868,833, A>T on the plus strand (T>A on the coding strand, the complement: GDF1 is on the minus strand). VCF-style: chr19-18868833-A-T. GRCh37 (hg19) VCF-style: chr19-18979642-A-T.
Other names: c.*1744T>A (NM_001387440.1); c.*1152T>A (NM_021267.5); c.883T>A, p.Tyr295Asn (NM_001387438.1); short protein forms Y295N.
Identifiers: ClinVar variation 539304 (VCV000539304.11), dbSNP rs1555702233, ClinGen allele CA404862168.

ClinVar aggregate classification (germline): Uncertain significance (1 of 4 stars; one submission).

Submission:

Labcorp Genetics (formerly Invitae), Labcorp
Classification: Uncertain significance. Last evaluated: 2017-10-18. Review status: criteria provided, single submitter. Criteria: Invitae Variant Classification Sherloc (09022015). Collection method: clinical testing. Allele origin: germline.
Comment: In summary, the available evidence is currently insufficient to determine the role of this variant in disease. Therefore, it has been classified as a Variant of Uncertain Significance. Algorithms developed to predict the effect of missense changes on protein structure and function (SIFT, PolyPhen-2, Align-GVGD) all suggest that this variant is likely to be disruptive, but these predictions have not been confirmed by published functional studies and their clinical significance is uncertain. This variant has not been reported in the literature in individuals with GDF1-related disease. This sequence change replaces tyrosine with asparagine at codon 295 of the GDF1 protein (p.Tyr295Asn). The tyrosine residue is highly conserved and there is a large physicochemical difference between tyrosine and asparagine. While this variant is not present in population databases, the frequency information is unreliable, as metrics indicate poor data quality at this position in the ExAC database.